The following is an entry in ClinVar:

ClinVar aggregate classification (germline): Benign/Likely benign. Review status: criteria provided, multiple submitters, no conflicts (2 of 4 stars). 7 submissions from 6 submitters: Benign (2); Likely benign (5). Last evaluated 2025-11-26.

Conditions:
Inborn genetic diseases. Identifiers: MedGen C0950123, MeSH D030342.
Neuronopathy, distal hereditary motor, type 7B. Also called: Distal Hereditary Motor Neuronopathy Type 7B (dHMN7B); HMN VIIB; LOWER MOTOR NEURON DISEASE, DYNACTIN TYPE; NEURONOPATHY, DISTAL HEREDITARY MOTOR, AUTOSOMAL DOMINANT 14; NEURONOPATHY, DISTAL HEREDITARY MOTOR, HARDING TYPE VIIB; NEUROPATHY, DISTAL HEREDITARY MOTOR, HARDING TYPE VIIB. Identifiers: Orphanet 139589, MedGen C1843315, MONDO:0011879, OMIM 607641.
Perry syndrome. Also called: PARKINSONISM WITH ALVEOLAR HYPOVENTILATION AND MENTAL DEPRESSION. Identifiers: Orphanet 178509, MedGen C1868594, MONDO:0008201, OMIM 168605.
Amyotrophic lateral sclerosis type 1 (ALS1). Also called: AMYOTROPHIC LATERAL SCLEROSIS 1, FAMILIAL. Identifiers: Orphanet 803, MedGen C1862939, MONDO:0007103, OMIM 105400.
DCTN1-related disorder. Also called: DCTN1-related condition.

Allele frequency attached by ClinVar (database versions not stated): ESP Exome Variant Server 0.00008; TOPMed 0.00011.
gnomAD v4.1: 317 of 1,614,036 alleles (0.02%); highest among the groups gnomAD compares: Middle Eastern, 0.016%; 1 homozygote.

Submissions (7):

Women's Health and Genetics/Laboratory Corporation of America, LabCorp
Classification: Benign. Last evaluated: 2025-11-26. Review status: criteria provided, single submitter. Criteria: LabCorp Variant Classification Summary - May 2015. Collection method: clinical testing. Allele origin: germline.
Comment: Variant summary: DCTN1 c.999C>G (p.Asp333Glu) results in a conservative amino acid change in the encoded protein sequence. Algorithms developed to predict the effect of missense changes on protein structure and function all suggest that this variant is likely to be tolerated. The variant allele was found at a frequency of 0.0002 in 1607040 control chromosomes, predominantly at a frequency of 0.0014 within the Finnish subpopulation in the gnomAD database, including 1 homozygote. The observed variant frequency within Finnish control individuals in the gnomAD database exceeds the estimated maximal expected allele frequency for disease-causing variants in DCTN1. To our knowledge, no occurrence of c.999C>G in individuals affected with DCTN1-related conditions and no experimental evidence demonstrating its impact on protein function have been reported. ClinVar contains an entry for this variant (Variation ID: 337092). Based on the evidence outlined above, the variant was classified as benign.

Labcorp Genetics (formerly Invitae), Labcorp
Classification: Likely benign for Amyotrophic lateral sclerosis type 1; Neuronopathy, distal hereditary motor, type 7B; Perry syndrome. Last evaluated: 2025-08-18. Review status: criteria provided, single submitter. Criteria: Invitae Variant Classification Sherloc (09022015). Collection method: clinical testing. Allele origin: germline.

PreventionGenetics, part of Exact Sciences
Classification: Likely benign for DCTN1-related condition. Last evaluated: 2025-08-05. Review status: criteria provided, single submitter. Criteria: ACMG Guidelines, 2015. Collection method: clinical testing. Allele origin: germline.
Comment: This variant is classified as likely benign based on ACMG/AMP sequence variant interpretation guidelines (Richards et al. 2015 PMID: 25741868, with internal and published modifications).

CeGaT Center for Human Genetics Tuebingen
Classification: Likely benign. Last evaluated: 2021-07-01. Review status: criteria provided, single submitter. Criteria: CeGaT Center For Human Genetics Tuebingen Variant Classification Criteria Version 2. Collection method: clinical testing. Allele origin: germline. Affected: yes. Observed: 1 variant allele.

Ambry Genetics
Classification: Likely benign for Inborn genetic diseases. Last evaluated: 2020-10-15. Review status: criteria provided, single submitter. Criteria: Ambry Variant Classification Scheme 2023. Collection method: clinical testing. Allele origin: germline.

Illumina Laboratory Services, Illumina
Classification: Benign for Perry syndrome. Last evaluated: 2018-01-13. Review status: criteria provided, single submitter. Criteria: ICSL Variant Classification Criteria 13 December 2019. Collection method: clinical testing. Allele origin: germline.
Comment: This variant was observed in the ICSL laboratory as part of a predisposition screen in an ostensibly healthy population. It had not been previously curated by ICSL or reported in the Human Gene Mutation Database (HGMD: prior to June 1st, 2018), and was therefore a candidate for classification through an automated scoring system. Utilizing variant allele frequency, disease prevalence and penetrance estimates, and inheritance mode, an automated score was calculated to assess if this variant is too frequent to cause the disease. Based on the score and internal cut-off values, a variant classified as benign is not then subjected to further curation. The score for this variant resulted in a classification of benign for this disease.

Illumina Laboratory Services, Illumina
Classification: Likely benign for Neuronopathy, distal hereditary motor, type 7B. Last evaluated: 2018-01-13. Review status: criteria provided, single submitter. Criteria: ICSL Variant Classification Criteria 13 December 2019. Collection method: clinical testing. Allele origin: germline.
Comment: This variant was observed in the ICSL laboratory as part of a predisposition screen in an ostensibly healthy population. It had not been previously curated by ICSL or reported in the Human Gene Mutation Database (HGMD: prior to June 1st, 2018), and was therefore a candidate for classification through an automated scoring system. Utilizing variant allele frequency, disease prevalence and penetrance estimates, and inheritance mode, an automated score was calculated to assess if this variant is too frequent to cause the disease. Based on the score and internal cut-off values, a variant classified as likely benign is not then subjected to further curation. The score for this variant resulted in a classification of likely benign for this disease.

NM_004082.5(DCTN1):c.999C>G (p.Asp333Glu)

Gene: DCTN1 (dynactin subunit 1; minus strand). Cytogenetic location: 2p13.1.
Variant type: single nucleotide variant.
Coding change: c.999C>G on transcript NM_004082.5 (MANE Select); coding-DNA position 999, C replaced by G.
Protein change: p.Asp333Glu; replaces aspartic acid 333 with glutamic acid.
Molecular consequence: missense variant. On other transcripts: non-coding transcript variant (1).
Genome position (GRCh38, 1-based): chr2:74,370,670, G>C on the plus strand (C>G on the coding strand, the complement: DCTN1 is on the minus strand). VCF-style: chr2-74370670-G-C. GRCh37 (hg19) VCF-style: chr2-74597797-G-C.
Other names: c.939C>G, p.Asp313Glu (NM_001135040.3); c.597C>G, p.Asp199Glu (NM_001135041.3, NM_023019.4); c.888C>G, p.Asp296Glu (NM_001190836.2); c.978C>G, p.Asp326Glu (NM_001190837.2); c.948C>G, p.Asp316Glu (NM_001378991.1); c.930C>G, p.Asp310Glu (NM_001378992.1); short protein forms D296E, D199E, D333E, D313E, D326E, D310E, D316E.
Identifiers: ClinVar variation 337092 (VCV000337092.52), dbSNP rs200952455, ClinGen allele CA1722275.